The following is an entry in ClinVar:

ClinVar aggregate classification (germline): Pathogenic (1 of 4 stars; one submission).

Conditions:
CHARGE syndrome (CHARGE). Also called: Coloboma, heart anomaly, choanal atresia, retardation, genital and ear anomalies; CHARGE association; Hall-Hittner syndrome; Hittner Hirsch Kreh syndrome; CHARGE ASSOCIATION--COLOBOMA, HEART ANOMALY, CHOANAL ATRESIA, RETARDATION, GENITAL AND EAR ANOMALIES. Identifiers: Orphanet 138, MedGen C0265354, MONDO:0008965.

Submission:

Labcorp Genetics (formerly Invitae), Labcorp
Classification: Pathogenic for CHARGE syndrome. Last evaluated: 2020-12-26. Review status: criteria provided, single submitter. Criteria: Invitae Variant Classification Sherloc (09022015). Collection method: clinical testing. Allele origin: germline.
Comment: This variant is not present in population databases (ExAC no frequency). For these reasons, this variant has been classified as Pathogenic. This variant has not been reported in the literature in individuals with CHD7-related conditions. This sequence change creates a premature translational stop signal (p.Val483Cysfs*92) in the CHD7 gene. It is expected to result in an absent or disrupted protein product. Loss-of-function variants in CHD7 are known to be pathogenic (PMID: 22461308, 25077900).

Literature cited by the submitters: PubMed 22461308; PubMed 25077900.

NM_017780.4(CHD7):c.1446dup (p.Val483fs)

Gene: CHD7 (chromodomain helicase DNA binding protein 7; plus strand). Cytogenetic location: 8q12.2.
Variant type: Duplication.
Coding change: c.1446dup on transcript NM_017780.4 (MANE Select); coding-DNA position 1446, one base duplicated (T; older notation c.1446dupT).
Protein change: p.Val483fs; shifts the reading frame from valine 483.
Molecular consequence: frameshift variant.
Genome position (GRCh38, 1-based): chr8:60,742,878, T duplicated. VCF-style (leftmost placement, unchanged base first): chr8-60742877-G-GT. GRCh37 (hg19) VCF-style: chr8-61655436-G-GT.
Other names: c.1446dup, p.Val483fs (NM_001316690.1); short protein forms V483fs.
Identifiers: ClinVar variation 1455687 (VCV001455687.6), dbSNP rs2150581008, ClinGen allele CA2573143246.